The following is an entry in ClinVar:

ClinVar aggregate classification (germline): Uncertain significance. Review status: criteria provided, multiple submitters, no conflicts (2 of 4 stars). 3 submissions from 3 submitters: Uncertain significance (3). Last evaluated 2025-12-02.

Conditions:
Inborn genetic diseases. Identifiers: MedGen C0950123, MeSH D030342.

Allele frequency attached by ClinVar (database versions not stated): gnomAD exomes 0.00001; ESP Exome Variant Server 0.00008; ExAC 0.00002.

Submissions (3):

Ambry Genetics
Classification: Uncertain significance for Inborn genetic diseases. Last evaluated: 2025-12-02. Review status: criteria provided, single submitter. Criteria: Ambry Variant Classification Scheme 2023. Collection method: clinical testing. Allele origin: germline.

Labcorp Genetics (formerly Invitae), Labcorp
Classification: Uncertain significance. Last evaluated: 2022-11-15. Review status: criteria provided, single submitter. Criteria: Invitae Variant Classification Sherloc (09022015). Collection method: clinical testing. Allele origin: germline.
Comment: In summary, the available evidence is currently insufficient to determine the role of this variant in disease. Therefore, it has been classified as a Variant of Uncertain Significance. Algorithms developed to predict the effect of missense changes on protein structure and function output the following: SIFT: "Tolerated"; PolyPhen-2: "Benign"; Align-GVGD: "Class C0". The serine amino acid residue is found in multiple mammalian species, which suggests that this missense change does not adversely affect protein function. ClinVar contains an entry for this variant (Variation ID: 193902). This variant has not been reported in the literature in individuals affected with OBSL1-related conditions. This variant is present in population databases (rs370695333, gnomAD 0.002%). This sequence change replaces glycine, which is neutral and non-polar, with serine, which is neutral and polar, at codon 1216 of the OBSL1 protein (p.Gly1216Ser).

Eurofins Ntd Llc (ga)
Classification: Uncertain significance. Last evaluated: 2015-05-19. Review status: criteria provided, single submitter. Criteria: EGL Classification Definitions 2015. Collection method: clinical testing. Allele origin: germline. Observed: 1 variant allele, 1 heterozygote.

NM_015311.3(OBSL1):c.3646G>A (p.Gly1216Ser)

Gene: OBSL1 (obscurin like cytoskeletal adaptor 1; minus strand). Cytogenetic location: 2q35.
Variant type: single nucleotide variant.
Coding change: c.3646G>A on transcript NM_015311.3 (MANE Select); coding-DNA position 3646, G replaced by A.
Protein change: p.Gly1216Ser; replaces glycine 1216 with serine.
Molecular consequence: missense variant.
Genome position (GRCh38, 1-based): chr2:219,557,967, C>T on the plus strand (G>A on the coding strand, the complement: OBSL1 is on the minus strand). VCF-style: chr2-219557967-C-T. GRCh37 (hg19) VCF-style: chr2-220422689-C-T.
Other names: c.3646G>A, p.Gly1216Ser (NM_001173431.2); c.3646G>A (NM_015311.2); short protein forms G1216S.
Identifiers: ClinVar variation 193902 (VCV000193902.9), dbSNP rs370695333, ClinGen allele CA239608.
Genomic context (GRCh38, chr2:219,557,967, plus strand): 5'-CTGCAGCCTGGATGCAGAGGACTCGGCGGGGGCCCTCGGCATGGAGCTCTAGGCCCTCGC[C>T]CTCCTGCACGGGCCTCCCATTGTGGCTCCAGACCACGGGGGCGCCAGCCCGGGACAGTTC-3'
Protein context (NP_056126.1, residues 1206-1226): WSHNGRPVQE[Gly1216Ser]EGLELHAEGP